The following is an entry in ClinVar:

ClinVar aggregate classification (germline): Uncertain significance (1 of 4 stars; one submission).

Conditions:
Norman-Roberts syndrome (LIS2). Also called: Lissencephaly 2 (Norman-Roberts type). Identifiers: Orphanet 89844, MedGen C0796089, MONDO:0009760, OMIM 257320.
Familial temporal lobe epilepsy 7. Identifiers: Orphanet 101046, MedGen C4225327, MONDO:0014639, OMIM 616436.

gnomAD v4.1: 3 of 1,614,060 alleles (0.00019%); highest among the groups gnomAD compares: Non-Finnish European, 0.00025%; no homozygotes.

Submission:

Labcorp Genetics (formerly Invitae), Labcorp
Classification: Uncertain significance for Familial temporal lobe epilepsy 7; Norman-Roberts syndrome. Last evaluated: 2024-10-24. Review status: criteria provided, single submitter. Criteria: Invitae Variant Classification Sherloc (09022015). Collection method: clinical testing. Allele origin: germline.
Comment: This sequence change replaces valine, which is neutral and non-polar, with alanine, which is neutral and non-polar, at codon 2388 of the RELN protein (p.Val2388Ala). This variant is not present in population databases (gnomAD no frequency). This variant has not been reported in the literature in individuals affected with RELN-related conditions. Invitae Evidence Modeling of protein sequence and biophysical properties (such as structural, functional, and spatial information, amino acid conservation, physicochemical variation, residue mobility, and thermodynamic stability) indicates that this missense variant is not expected to disrupt RELN protein function with a negative predictive value of 80%. In summary, the available evidence is currently insufficient to determine the role of this variant in disease. Therefore, it has been classified as a Variant of Uncertain Significance.

NM_005045.4(RELN):c.7163T>C (p.Val2388Ala)

Gene: RELN (reelin; minus strand). Cytogenetic location: 7q22.1.
Variant type: single nucleotide variant.
Coding change: c.7163T>C on transcript NM_005045.4 (MANE Select); coding-DNA position 7163, T replaced by C.
Protein change: p.Val2388Ala; replaces valine 2388 with alanine.
Molecular consequence: missense variant.
Genome position (GRCh38, 1-based): chr7:103,539,095, A>G on the plus strand (T>C on the coding strand, the complement: RELN is on the minus strand). VCF-style: chr7-103539095-A-G. GRCh37 (hg19) VCF-style: chr7-103179542-A-G.
Other names: c.7163T>C, p.Val2388Ala (NM_173054.3); short protein forms V2388A.
Identifiers: ClinVar variation 3748726 (VCV003748726.2).
Genomic context (GRCh38, chr7:103,539,095, plus strand): 5'-ATGCCCACATGCCTGTCCCTCTATCTGGAGACGGCATACTCACCATAACAAGAGTCTGTG[A>G]CTGAGCAGGAGGCAGCGAAGTCTATCTGTAGGAAGGAATCCTCATTCACGGCAACGTCTG-3'
Protein context (NP_005036.2, residues 2378-2398): LQIDFAASCS[Val2388Ala]TDSCYAIELE